The following is an entry in ClinVar:

ClinVar aggregate classification (germline): Uncertain significance. Review status: criteria provided, multiple submitters, no conflicts (2 of 4 stars). 3 submissions from 3 submitters: Uncertain significance (2). 1 of the submissions does not count toward it. Last evaluated 2024-06-17.

Conditions:
Progressive microcephaly-seizures-cortical blindness-developmental delay syndrome. Also called: Seizures, cortical blindness, and microcephaly syndrome. Identifiers: Orphanet 477814, MedGen C5567650, MONDO:0014714, OMIM 616632.
Autosomal dominant nonsyndromic hearing loss 1. Also called: DEAFNESS, AUTOSOMAL DOMINANT 1, WITH OR WITHOUT THROMBOCYTOPENIA; KONIGSMARK SYNDROME. Identifiers: Orphanet 90635, MedGen C1852282, MONDO:0007424, OMIM 124900.
Vascular dementia. Identifiers: MedGen C0011269, MeSH D015140, MONDO:0004648.

Allele frequency attached by ClinVar (database versions not stated): gnomAD exomes 0.00006 and 0.00008; gnomAD 0.00007 and 0.00009; ExAC 0.00011.
gnomAD v4.1: 95 of 1,614,034 alleles (0.0059%); highest among the groups gnomAD compares: Non-Finnish European, 0.0012%; no homozygotes.

Submissions (3):

Labcorp Genetics (formerly Invitae), Labcorp
Classification: Uncertain significance for Progressive microcephaly-seizures-cortical blindness-developmental delay syndrome; Autosomal dominant nonsyndromic hearing loss 1. Last evaluated: 2024-06-17. Review status: criteria provided, single submitter. Criteria: Invitae Variant Classification Sherloc (09022015). Collection method: clinical testing. Allele origin: germline.
Comment: This sequence change replaces phenylalanine, which is neutral and non-polar, with leucine, which is neutral and non-polar, at codon 365 of the DIAPH1 protein (p.Phe365Leu). This variant is present in population databases (rs750318437, gnomAD 0.1%). This variant has not been reported in the literature in individuals affected with DIAPH1-related conditions. ClinVar contains an entry for this variant (Variation ID: 1301525). Experimental studies and prediction algorithms are not available or were not evaluated, and the functional significance of this variant is currently unknown. In summary, the available evidence is currently insufficient to determine the role of this variant in disease. Therefore, it has been classified as a Variant of Uncertain Significance.

GeneDx
Classification: Uncertain significance. Last evaluated: 2023-01-17. Review status: criteria provided, single submitter. Criteria: GeneDx Variant Classification Process June 2021. Collection method: clinical testing. Allele origin: germline. Affected: yes.
Comment: Reported in a patient with late-onset vascular cognitive impairment in published literature (Mnkre et al., 2022); In silico analysis supports that this missense variant has a deleterious effect on protein structure/function; This variant is associated with the following publications: (PMID: 35307828)

Myllykangas group, University of Helsinki
Classification: Uncertain significance for Vascular dementia. Last evaluated: 2021-10-01. Review status: no assertion criteria provided. Collection method: research. Allele origin: germline. Affected: yes. Not counted in ClinVar's aggregate classification.

Literature cited by the submitters: PubMed 35307828 (cited by Myllykangas group, University of Helsinki).

NM_005219.5(DIAPH1):c.1093T>C (p.Phe365Leu)

Gene: DIAPH1 (diaphanous related formin 1; minus strand). Cytogenetic location: 5q31.3.
Variant type: single nucleotide variant.
Coding change: c.1093T>C on transcript NM_005219.5 (MANE Select); coding-DNA position 1093, T replaced by C.
Protein change: p.Phe365Leu; replaces phenylalanine 365 with leucine.
Molecular consequence: missense variant.
Genome position (GRCh38, 1-based): chr5:141,578,295, A>G on the plus strand (T>C on the coding strand, the complement: DIAPH1 is on the minus strand). VCF-style: chr5-141578295-A-G. GRCh37 (hg19) VCF-style: chr5-140957862-A-G.
Other names: c.1093T>C (NM_005219.4); c.1066T>C, p.Phe356Leu (NM_001079812.3); c.1093T>C, p.Phe365Leu (NM_001314007.2); short protein forms F356L, F365L.
Identifiers: ClinVar variation 1301525 (VCV001301525.9), dbSNP rs750318437, ClinGen allele CA3479391.